The following is an entry in ClinVar:

NM_000540.3(RYR1):c.14057G>A (p.Gly4686Asp)

Gene: RYR1 (ryanodine receptor 1; plus strand). Cytogenetic location: 19q13.2.
Variant type: single nucleotide variant.
Coding change: c.14057G>A on transcript NM_000540.3 (MANE Select); coding-DNA position 14057, G replaced by A.
Protein change: p.Gly4686Asp; replaces glycine 4686 with aspartic acid.
Molecular consequence: missense variant.
Genome position (GRCh38, 1-based): chr19:38,573,235, G>A. VCF-style: chr19-38573235-G-A. GRCh37 (hg19) VCF-style: chr19-39063875-G-A.
Other names: c.14042G>A, p.Gly4681Asp (NM_001042723.2); short protein forms G4681D, G4686D.
Identifiers: ClinVar variation 2442451 (VCV002442451.1), dbSNP rs2514718392, ClinGen allele CA405682214.

ClinVar aggregate classification (germline): Uncertain significance (1 of 4 stars; one submission).

Submission:

GeneDx
Classification: Uncertain significance. Last evaluated: 2022-08-26. Review status: criteria provided, single submitter. Criteria: GeneDx Variant Classification Process June 2021. Collection method: clinical testing. Allele origin: germline. Affected: yes.
Comment: Not observed at significant frequency in large population cohorts (gnomAD); In silico analysis supports that this missense variant has a deleterious effect on protein structure/function; Has not been previously published as pathogenic or benign to our knowledge